The following is an entry in ClinVar:

NM_020549.5(CHAT):c.1634+183A>G

Gene: CHAT (choline O-acetyltransferase; plus strand). Cytogenetic location: 10q11.23.
Variant type: single nucleotide variant.
Coding change: c.1634+183A>G on transcript NM_020549.5 (MANE Select); 183 bases into the intron after coding-DNA position 1634, A replaced by G.
Molecular consequence: intron variant.
Genome position (GRCh38, 1-based): chr10:49,652,189, A>G. VCF-style: chr10-49652189-A-G. GRCh37 (hg19) VCF-style: chr10-50860235-A-G.
Other names: c.1280+183A>G (NM_020984.4, NM_020985.4, NM_020986.4 and 2 more transcripts); c.1388+183A>G (NM_001142933.2).
Identifiers: ClinVar variation 678353 (VCV000678353.1), dbSNP rs7076082, ClinGen allele CA13154239.

ClinVar aggregate classification (germline): Benign (1 of 4 stars; one submission).

Allele frequency attached by ClinVar (database versions not stated): 1000 Genomes Project 0.38778; 1000 Genomes Project 30x 0.38913; TOPMed 0.39960; gnomAD 0.40073 and 0.40370.
gnomAD v4.1: 61,436 of 152,056 alleles (40%); highest among the groups gnomAD compares: South Asian, 48%; 12,933 homozygotes.

Submission:

GeneDx
Classification: Benign. Last evaluated: 2018-06-19. Review status: criteria provided, single submitter. Criteria: GeneDx Variant Classification (06012015). Collection method: clinical testing. Allele origin: germline. Affected: yes.
Comment: This variant is considered likely benign or benign based on one or more of the following criteria: it is a conservative change, it occurs at a poorly conserved position in the protein, it is predicted to be benign by multiple in silico algorithms, and/or has population frequency not consistent with disease.